The following is an entry in ClinVar:

ClinVar aggregate classification (germline): Benign (1 of 4 stars; one submission).

Allele frequency attached by ClinVar (database versions not stated): 1000 Genomes Project 0.83007; 1000 Genomes Project 30x 0.83167; TOPMed 0.83443; gnomAD 0.83769 and 0.83968.
gnomAD v4.1: 127,457 of 152,162 alleles (84%); highest among the groups gnomAD compares: African/African-American, 86%; 53,479 homozygotes.

Submission:

GeneDx
Classification: Benign. Last evaluated: 2018-06-14. Review status: criteria provided, single submitter. Criteria: GeneDx Variant Classification (06012015). Collection method: clinical testing. Allele origin: germline. Affected: yes.
Comment: This variant is considered likely benign or benign based on one or more of the following criteria: it is a conservative change, it occurs at a poorly conserved position in the protein, it is predicted to be benign by multiple in silico algorithms, and/or has population frequency not consistent with disease.

NM_182961.4(SYNE1):c.22192-179A>T

Gene: SYNE1 (spectrin repeat containing nuclear envelope protein 1; minus strand). Cytogenetic location: 6q25.2.
Variant type: single nucleotide variant.
Coding change: c.22192-179A>T on transcript NM_182961.4 (MANE Select); 179 bases into the intron before coding-DNA position 22192, A replaced by T.
Molecular consequence: intron variant.
Genome position (GRCh38, 1-based): chr6:152,215,239, T>A on the plus strand (A>T on the coding strand, the complement: SYNE1 is on the minus strand). VCF-style: chr6-152215239-T-A. GRCh37 (hg19) VCF-style: chr6-152536374-T-A.
Other names: c.21979-179A>T (NM_033071.5).
Identifiers: ClinVar variation 670206 (VCV000670206.1), dbSNP rs2763030, ClinGen allele CA12253546.
Genomic context (GRCh38, chr6:152,215,239, plus strand): 5'-GCATTTCTAGGCCACTTACTTACAATCTCTAGGTACGAATAGCGAAAAGCCAAATCTACT[T>A]TTCAGTCTAAACTGCTGCTGCTGCTGCTATTGCTACTCAAGCTACTCATTATCCTTTATG-3'